The following is an entry in ClinVar:

ClinVar aggregate classification (germline): Uncertain significance. Review status: criteria provided, multiple submitters, no conflicts (2 of 4 stars). 3 submissions from 3 submitters: Uncertain significance (2). 1 of the submissions does not count toward it. Last evaluated 2025-10-15.

Conditions:
Nemaline myopathy 2 (NEM2). Also called: Nemaline myopathy 2, autosomal recessive. Identifiers: MedGen C1850569, MONDO:0009725, OMIM 256030.

Allele frequency attached by ClinVar (database versions not stated): gnomAD 0.00003 and 0.00004; TOPMed 0.00003.
gnomAD v4.1: 7 of 1,567,972 alleles (0.00045%); highest among the groups gnomAD compares: African/African-American, 0.0081%; no homozygotes.

Submissions (3):

Labcorp Genetics (formerly Invitae), Labcorp
Classification: Uncertain significance for Nemaline myopathy 2. Last evaluated: 2025-10-15. Review status: criteria provided, single submitter. Criteria: Invitae Variant Classification Sherloc (09022015). Collection method: clinical testing. Allele origin: germline.
Comment: This sequence change falls in intron 47 of the NEB gene. It does not directly change the encoded amino acid sequence of the NEB protein. It affects a nucleotide within the consensus splice site. This variant is present in population databases (no rsID available, gnomAD 0.01%). This variant has been observed in individual(s) with clinical features of nemaline myopathy (internal data). ClinVar contains an entry for this variant (Variation ID: 1047526). Variants that disrupt the consensus splice site are a relatively common cause of aberrant splicing (PMID: 17576681, 9536098). Algorithms developed to predict the effect of sequence changes on RNA splicing suggest that this variant may disrupt the consensus splice site. In summary, the available evidence is currently insufficient to determine the role of this variant in disease. Therefore, it has been classified as a Variant of Uncertain Significance.

Revvity Omics, Revvity
Classification: Uncertain significance. Last evaluated: 2022-10-19. Review status: criteria provided, single submitter. Criteria: ACMG Guidelines, 2015. Collection method: clinical testing. Allele origin: germline.

Natera, Inc.
Classification: Uncertain significance for Nemaline myopathy type 2. Last evaluated: 2021-10-06. Review status: no assertion criteria provided. Collection method: clinical testing. Allele origin: germline. Not counted in ClinVar's aggregate classification.

Literature cited by the submitters: PubMed 17576681 (cited by Labcorp Genetics (formerly Invitae), Labcorp); PubMed 9536098 (cited by Labcorp Genetics (formerly Invitae), Labcorp).

NM_001164508.2(NEB):c.6075+3A>C

Gene: NEB (nebulin; minus strand). Cytogenetic location: 2q23.3.
Variant type: single nucleotide variant.
Coding change: c.6075+3A>C on transcript NM_001164508.2 (MANE Select); 3 bases into the intron after coding-DNA position 6075, A replaced by C.
Molecular consequence: intron variant.
Genome position (GRCh38, 1-based): chr2:151,659,062, T>G on the plus strand (A>C on the coding strand, the complement: NEB is on the minus strand). VCF-style: chr2-151659062-T-G. GRCh37 (hg19) VCF-style: chr2-152515576-T-G.
Other names: c.6075+3A>C (NM_004543.5, NM_001164507.2, NM_001271208.2).
Identifiers: ClinVar variation 1047526 (VCV001047526.11), dbSNP rs986325764, ClinGen allele CA57638067.